The following is an entry in ClinVar:

NM_001160148.2(DDHD1):c.325GGC[7] (p.Gly110_Gly112dup)

Gene: DDHD1 (DDHD domain containing 1; minus strand). Cytogenetic location: 14q22.1.
Variant type: Microsatellite.
Coding change: c.325GGC[7] on transcript NM_001160148.2 (MANE Select); seven copies in a row of the 3-base unit GGC starting at c.325; the reference has four copies in a row; three copies, 9 bases duplicated.
Protein change: p.Gly110_Gly112dup.
Molecular consequence: inframe insertion.
Genome position (GRCh38, 1-based): chr14:53,152,763-53,152,771, GCCGCCGCC duplicated on the plus strand (GGCGGCGGC on the coding strand, the reverse complement: DDHD1 is on the minus strand); duplicating any 9 consecutive bases within chr14:53,152,763-53,152,776 gives the same sequence; the position shown is the placement nearest the transcript's 3' end. VCF-style (leftmost placement, unchanged base first): chr14-53152762-T-TGCCGCCGCC. GRCh37 (hg19) VCF-style: chr14-53619480-T-TGCCGCCGCC.
Other names: p.Gly110_Gly112dup; c.328_336dup (NM_001160147.2, NM_001160147.1); c.325GGC[7], p.Gly110_Gly112dup (NM_001160147.2, NM_030637.3).
Identifiers: ClinVar variation 415257 (VCV000415257.40), dbSNP rs55671452, ClinGen allele CA7191522.

ClinVar aggregate classification (germline): Benign/Likely benign. Review status: criteria provided, multiple submitters, no conflicts (2 of 4 stars). 7 submissions from 7 submitters: Benign (2); Likely benign (2). 3 of the submissions do not count toward it. Last evaluated 2026-10-01.

Conditions:
Hereditary spastic paraplegia 28. Also called: Spastic paraplegia 28, autosomal recessive. Identifiers: Orphanet 101008, MedGen C1836295, MONDO:0012256, OMIM 609340.

Submissions (7):

CeGaT Center for Human Genetics Tuebingen
Classification: Likely benign. Last evaluated: 2026-10-01. Review status: criteria provided, single submitter. Criteria: CeGaT Center For Human Genetics Tuebingen Variant Classification Criteria Version 2. Collection method: clinical testing. Allele origin: germline. Affected: yes. Observed: 9 variant alleles.
Comment: DDHD1: PM4, BS1, BS2

Labcorp Genetics (formerly Invitae), Labcorp
Classification: Likely benign for Hereditary spastic paraplegia 28. Last evaluated: 2026-01-15. Review status: criteria provided, single submitter. Criteria: Invitae Variant Classification Sherloc (09022015). Collection method: clinical testing. Allele origin: germline.

Mayo Clinic Laboratories, Mayo Clinic
Classification: Benign. Last evaluated: 2021-07-17. Review status: criteria provided, single submitter. Criteria: ACMG Guidelines, 2015. Collection method: clinical testing. Allele origin: germline. Observed: 8 variant alleles.

GeneDx
Classification: Benign. Last evaluated: 2018-02-26. Review status: criteria provided, single submitter. Criteria: GeneDx Variant Classification (06012015). Collection method: clinical testing. Allele origin: germline. Affected: yes.
Comment: This variant is considered likely benign or benign based on one or more of the following criteria: it is a conservative change, it occurs at a poorly conserved position in the protein, it is predicted to be benign by multiple in silico algorithms, and/or has population frequency not consistent with disease.

Clinical Genetics DNA and cytogenetics Diagnostics Lab, Erasmus MC, Erasmus Medical Center
Classification: Benign. Review status: no assertion criteria provided. Collection method: clinical testing. Allele origin: germline. Affected: yes. Study: VKGL Data-share Consensus. Not counted in ClinVar's aggregate classification.

Diagnostic Laboratory, Department of Genetics, University Medical Center Groningen
Classification: Benign. Review status: no assertion criteria provided. Collection method: clinical testing. Allele origin: germline. Affected: yes. Study: VKGL Data-share Consensus. Not counted in ClinVar's aggregate classification.

Laboratory of Diagnostic Genome Analysis, Leiden University Medical Center (LUMC)
Classification: Likely benign. Review status: no assertion criteria provided. Collection method: clinical testing. Allele origin: germline. Affected: yes. Study: VKGL Data-share Consensus. Not counted in ClinVar's aggregate classification.